The following is an entry in ClinVar:

NM_000059.4(BRCA2):c.10186del (p.Ser3396fs)

Gene: BRCA2 (BRCA2 DNA repair associated; plus strand). Cytogenetic location: 13q13.1.
Variant type: Deletion.
Coding change: c.10186del on transcript NM_000059.4 (MANE Select); coding-DNA position 10186, one base deleted (A; older notation c.10186delA).
Protein change: p.Ser3396fs; shifts the reading frame from serine 3396.
Molecular consequence: frameshift variant. On other transcripts: non-coding transcript variant (1).
Genome position (GRCh38, 1-based): chr13:32,398,699, A deleted. VCF-style (leftmost placement, unchanged base first): chr13-32398698-GA-G. GRCh37 (hg19) VCF-style: chr13-32972835-GA-G.
Other names: c.10090del, p.Ser3364fs (NM_001406719.1); c.10135del, p.Ser3379fs (NM_001406720.1); c.5254del, p.Ser1752fs (NM_001406721.1); c.3769del, p.Ser1257fs (NM_001406722.1); c.10186del, p.Ser3396fs (NM_001432077.1); short protein forms S3364fs, S1257fs, S1752fs, S3396fs, S3379fs.
Identifiers: ClinVar variation 3656902 (VCV003656902.2).

ClinVar aggregate classification (germline): Uncertain significance (1 of 4 stars; one submission).

Conditions:
Hereditary breast ovarian cancer syndrome. Also called: BRCA1- and BRCA2-Associated Hereditary Breast and Ovarian Cancer; Breast and ovarian cancer; Hereditary breast and ovarian cancer syndrome (HBOC); Hereditary breast and ovarian cancer syndrome; Hereditary breast and/or ovarian cancer syndrome; Hereditary breast and ovarian cancer. Identifiers: Orphanet 145, MedGen C0677776, MeSH D061325, MONDO:0003582. Disease mechanism: loss of function.

Submission:

Labcorp Genetics (formerly Invitae), Labcorp
Classification: Uncertain significance for Hereditary breast ovarian cancer syndrome. Last evaluated: 2024-07-15. Review status: criteria provided, single submitter. Criteria: Invitae Variant Classification Sherloc (09022015). Collection method: clinical testing. Allele origin: germline.
Comment: This sequence change results in a frameshift in the BRCA2 gene (p.Ser3396Valfs*31). While this is not anticipated to result in nonsense mediated decay, it is expected to disrupt the last 23 amino acid(s) of the BRCA2 protein and extend the protein by 7 additional amino acid residues. This variant is not present in population databases (gnomAD no frequency). This variant has not been reported in the literature in individuals affected with BRCA2-related conditions. Experimental studies and prediction algorithms are not available or were not evaluated, and the functional significance of this variant is currently unknown. In summary, the available evidence is currently insufficient to determine the role of this variant in disease. Therefore, it has been classified as a Variant of Uncertain Significance.